The following is an entry in ClinVar:

NM_000257.4(MYH7):c.1002C>T (p.Asn334=)

Gene: MYH7 (myosin heavy chain 7; minus strand). Cytogenetic location: 14q11.2.
Variant type: single nucleotide variant.
Coding change: c.1002C>T on transcript NM_000257.4 (MANE Select); coding-DNA position 1002, C replaced by T.
Protein change: p.Asn334=; no amino-acid change (asparagine 334 retained).
Molecular consequence: synonymous variant.
Genome position (GRCh38, 1-based): chr14:23,429,911, G>A on the plus strand (C>T on the coding strand, the complement: MYH7 is on the minus strand). VCF-style: chr14-23429911-G-A. GRCh37 (hg19) VCF-style: chr14-23899120-G-A.
Other names: p.N334N:AAC>AAT; NM_000257.3(MYH7):c.1002C>T.
Identifiers: ClinVar variation 42817 (VCV000042817.55), dbSNP rs34803781, ClinGen allele CA010043.

ClinVar aggregate classification (germline): Benign. Review status: reviewed by expert panel (3 of 4 stars). 24 submissions from 20 submitters: Benign (1). 23 of the submissions do not count toward it. Last evaluated 2025-11-11.

Conditions:
Myosin storage myopathy (CMYO7A). Also called: SCAPULOPERONEAL MUSCULAR DYSTROPHY; SCAPULOPERONEAL SYNDROME, MYOPATHIC TYPE; MYH7-related late-onset scapuloperoneal muscular dystrophy; Congenital myopathy 7A, myosin storage, autosomal dominant; MYOPATHY WITH LYSIS OF TYPE I MYOFIBRILS; Scapuloperoneal myopathy, MYH7-related. Identifiers: Orphanet 437572, Orphanet 636965, MedGen C1842160, MONDO:0008409, OMIM 608358.
Cardiovascular phenotype. Identifiers: MedGen CN230736.
Cardiomyopathy (CMYO). Also called: Cardiomyopathies. Identifiers: Orphanet 167848, MedGen C0878544, MONDO:0004994, HP:0001638. Inheritance: Various modes of inheritance.
Hypertrophic cardiomyopathy 1 (CMH1). Also called: MYH7-Related Familial Hypertrophic Cardiomyopathy; Familial hypertrophic cardiomyopathy 1. Identifiers: MedGen C3495498, MONDO:0008647, OMIM 192600.
MYH7-related skeletal myopathy. Also called: Laing distal myopathy; Myopathy, distal, 1; MYOPATHY, DISTAL, EARLY-ONSET, AUTOSOMAL DOMINANT; MYOPATHY, LATE DISTAL HEREDITARY; Laing early-onset distal myopathy. Identifiers: Orphanet 59135, MedGen C4552004, MONDO:0008050, OMIM 160500.
Dilated cardiomyopathy 1S (CMD1S). Identifiers: Orphanet 154, Orphanet 54260, MedGen C1834481, MONDO:0013262, OMIM 613426.
Hypertrophic cardiomyopathy. Also called: HYPERTROPHIC MYOCARDIOPATHY. Identifiers: Orphanet 217569, MedGen C0007194, MeSH D002312, MONDO:0005045, HP:0001639.

Allele frequency attached by ClinVar (database versions not stated): gnomAD exomes 0.00144; ExAC 0.00426; TOPMed 0.01463; ESP Exome Variant Server 0.01607; 1000 Genomes Project 0.01238; 1000 Genomes Project 30x 0.01312; gnomAD 0.01316 and 0.01418.
gnomAD v4.1: 4,201 of 1,613,954 alleles (0.26%); highest among the groups gnomAD compares: African/African-American, 4.5%; 93 homozygotes.

Submissions (24):

ClinGen Cardiomyopathy Variant Curation Expert Panel
Classification: Benign for Hypertrophic cardiomyopathy. Last evaluated: 2025-11-11. Review status: reviewed by expert panel. Criteria: ClinGen CMP ACMG Specifications v1. Collection method: curation. Allele origin: germline. Inheritance: Autosomal dominant inheritance.
Comment: The filtering allele frequency of the c.1002C>T (p.Asn334=) variant in the MYH7 gene is 4.12% (463/10398) of African chromosomes by the Exome Aggregation Consortium, which is a high enough frequency to be classified as benign based on thresholds defined by the ClinGen Inherited Cardiomyopathy Expert Panel (BA1; PMID:29300372).

Labcorp Genetics (formerly Invitae), Labcorp
Classification: Benign for Hypertrophic cardiomyopathy. Last evaluated: 2026-02-04. Review status: criteria provided, single submitter. Criteria: Invitae Variant Classification Sherloc (09022015). Collection method: clinical testing. Allele origin: germline. Not counted in ClinVar's aggregate classification.

Molecular Diagnostic Laboratory for Inherited Cardiovascular Disease, Montreal Heart Institute
Classification: Benign. Last evaluated: 2025-07-24. Review status: criteria provided, single submitter. Criteria: ACMG Guidelines, 2015. Collection method: clinical testing. Allele origin: germline. Affected: no. Not counted in ClinVar's aggregate classification.

ARUP Laboratories, Molecular Genetics and Genomics, ARUP Laboratories
Classification: Benign. Last evaluated: 2025-05-20. Review status: criteria provided, single submitter. Criteria: ARUP Molecular Germline Variant Investigation Process 2024. Collection method: clinical testing. Allele origin: germline. Not counted in ClinVar's aggregate classification.

Cohesion Phenomics
Classification: Benign for Hypertrophic Cardiomyopathy. Last evaluated: 2022-10-10. Review status: criteria provided, single submitter. Criteria: ACMG Guidelines, 2015. Collection method: clinical testing. Allele origin: germline. Affected: yes. Not counted in ClinVar's aggregate classification.

Cohesion Phenomics
Classification: Benign for Cardiomyopathy. Last evaluated: 2022-10-10. Review status: criteria provided, single submitter. Criteria: ACMG Guidelines, 2015. Collection method: clinical testing. Allele origin: germline. Affected: yes. Not counted in ClinVar's aggregate classification.

Athena Diagnostics
Classification: Benign. Last evaluated: 2018-03-15. Review status: criteria provided, single submitter. Criteria: Athena Diagnostics Criteria. Collection method: clinical testing. Allele origin: germline. Not counted in ClinVar's aggregate classification.

Color Diagnostics, LLC DBA Color Health
Classification: Benign for Cardiomyopathy. Last evaluated: 2018-03-09. Review status: criteria provided, single submitter. Criteria: ACMG Guidelines, 2015. Collection method: clinical testing. Allele origin: germline. Not counted in ClinVar's aggregate classification.

Mayo Clinic Laboratories, Mayo Clinic
Classification: Benign. Last evaluated: 2018-02-21. Review status: criteria provided, single submitter. Criteria: ACMG Guidelines, 2015. Collection method: clinical testing. Allele origin: germline. Observed: 31 variant alleles. Not counted in ClinVar's aggregate classification.

Illumina Laboratory Services, Illumina
Classification: Likely benign for Hypertrophic cardiomyopathy 1. Last evaluated: 2018-02-02. Review status: criteria provided, single submitter. Criteria: ICSL Variant Classification Criteria 13 December 2019. Collection method: clinical testing. Allele origin: germline. Not counted in ClinVar's aggregate classification.
Comment: This variant was observed as part of a predisposition screen in an ostensibly healthy population. A literature search was performed for the gene, cDNA change, and amino acid change (where applicable). No publications were found based on this search. Allele frequency data from public databases allowed determination this variant is unlikely to cause disease. Therefore, this variant is classified as likely benign.

Illumina Laboratory Services, Illumina
Classification: Likely benign for Dilated cardiomyopathy 1S. Last evaluated: 2018-02-02. Review status: criteria provided, single submitter. Criteria: ICSL Variant Classification Criteria 13 December 2019. Collection method: clinical testing. Allele origin: germline. Not counted in ClinVar's aggregate classification.
Comment: the same text as in the submission from Illumina Laboratory Services, Illumina above.

Illumina Laboratory Services, Illumina
Classification: Likely benign for MYH7-related skeletal myopathy. Last evaluated: 2018-02-02. Review status: criteria provided, single submitter. Criteria: ICSL Variant Classification Criteria 13 December 2019. Collection method: clinical testing. Allele origin: germline. Not counted in ClinVar's aggregate classification.
Comment: the same text as in the submission from Illumina Laboratory Services, Illumina above.

Illumina Laboratory Services, Illumina
Classification: Likely benign for Myosin storage myopathy. Last evaluated: 2018-02-02. Review status: criteria provided, single submitter. Criteria: ICSL Variant Classification Criteria 13 December 2019. Collection method: clinical testing. Allele origin: germline. Not counted in ClinVar's aggregate classification.
Comment: the same text as in the submission from Illumina Laboratory Services, Illumina above.

Ambry Genetics
Classification: Benign for Cardiovascular phenotype. Last evaluated: 2015-06-26. Review status: criteria provided, single submitter. Criteria: Ambry Variant Classification Scheme 2023. Collection method: clinical testing. Allele origin: germline. Not counted in ClinVar's aggregate classification.

GeneDx
Classification: Benign. Last evaluated: 2012-04-24. Review status: criteria provided, single submitter. Criteria: GeneDx Variant Classification (06012015). Collection method: clinical testing. Allele origin: germline. Affected: yes. Not counted in ClinVar's aggregate classification.
Comment: This variant is considered likely benign or benign based on one or more of the following criteria: it is a conservative change, it occurs at a poorly conserved position in the protein, it is predicted to be benign by multiple in silico algorithms, and/or has population frequency not consistent with disease.

Laboratory for Molecular Medicine, Mass General Brigham Personalized Medicine
Classification: Benign. Last evaluated: 2008-01-18. Review status: criteria provided, single submitter. Criteria: LMM Criteria. Collection method: clinical testing. Allele origin: germline. Observed: 63 variant alleles. Not counted in ClinVar's aggregate classification.

Breakthrough Genomics
Classification: Benign. Review status: criteria provided, single submitter. Criteria: ACMG Guidelines, 2015. Collection method: not provided. Allele origin: germline. Inheritance: Autosomal recessive inheritance. Affected: yes. Not counted in ClinVar's aggregate classification.

PreventionGenetics, part of Exact Sciences
Classification: Benign. Review status: criteria provided, single submitter. Criteria: ACMG Guidelines, 2015. Collection method: clinical testing. Allele origin: germline. Not counted in ClinVar's aggregate classification.

Clinical Genetics DNA and cytogenetics Diagnostics Lab, Erasmus MC, Erasmus Medical Center
Classification: Benign. Review status: no assertion criteria provided. Collection method: clinical testing. Allele origin: germline. Affected: yes. Study: VKGL Data-share Consensus. Not counted in ClinVar's aggregate classification.

Clinical Genetics, Academic Medical Center
Classification: Benign. Review status: no assertion criteria provided. Collection method: clinical testing. Allele origin: germline. Affected: yes. Study: VKGL Data-share Consensus. Not counted in ClinVar's aggregate classification.

Diagnostic Laboratory, Department of Genetics, University Medical Center Groningen
Classification: Likely benign. Review status: no assertion criteria provided. Collection method: clinical testing. Allele origin: germline. Affected: yes. Study: VKGL Data-share Consensus. Not counted in ClinVar's aggregate classification.

Genetic Services Laboratory, University of Chicago
Classification: Likely benign for AllHighlyPenetrant. Review status: no assertion criteria provided. Collection method: clinical testing. Allele origin: germline. Inheritance: Autosomal dominant inheritance. Not counted in ClinVar's aggregate classification.
Comment: Likely benign based on allele frequency in 1000 Genomes Project or ESP global frequency and its presence in a patient with a rare or unrelated disease phenotype. NOT Sanger confirmed.

Genome Diagnostics Laboratory, University Medical Center Utrecht
Classification: Benign. Review status: no assertion criteria provided. Collection method: clinical testing. Allele origin: germline. Affected: yes. Study: VKGL Data-share Consensus. Not counted in ClinVar's aggregate classification.

Joint Genome Diagnostic Labs from Nijmegen and Maastricht, Radboudumc and MUMC+
Classification: Likely benign. Review status: no assertion criteria provided. Collection method: clinical testing. Allele origin: germline. Affected: yes. Study: VKGL Data-share Consensus. Not counted in ClinVar's aggregate classification.

Literature cited by the submitters: PubMed 29300372 (cited by ClinGen Cardiomyopathy Variant Curation Expert Panel).